The following is an entry in ClinVar:

NM_001347702.2(SYNE1):c.78C>T (p.Asn26=)

Gene: SYNE1 (spectrin repeat containing nuclear envelope protein 1; minus strand). Cytogenetic location: 6q25.2.
Variant type: single nucleotide variant.
Coding change: c.78C>T on transcript NM_001347702.2 (MANE Plus Clinical); coding-DNA position 78, C replaced by T.
Protein change: p.Asn26=; no amino-acid change (asparagine 26 retained).
Molecular consequence: synonymous variant. On other transcripts: intron variant (3).
Genome position (GRCh38, 1-based): chr6:152,168,127, G>A on the plus strand (C>T on the coding strand, the complement: SYNE1 is on the minus strand). VCF-style: chr6-152168127-G-A. GRCh37 (hg19) VCF-style: chr6-152489262-G-A.
Other names: c.23628-3802C>T (NM_182961.4); c.23415-3802C>T (NM_033071.5); c.234-3802C>T (NM_001347701.2).
Identifiers: ClinVar variation 3047682 (VCV003047682.2), dbSNP rs375046915, ClinGen allele CA4053518.

ClinVar aggregate classification (germline): Likely benign (0 of 4 stars; one submission).

Conditions:
SYNE1-related disorder. Also called: SYNE1-related disease; SYNE1-related condition; SYNE1-related disorders.

Allele frequency attached by ClinVar (database versions not stated): TOPMed 0.00023; ExAC 0.00006; gnomAD 0.00015; gnomAD exomes 0.00003; ESP Exome Variant Server 0.00024.
gnomAD v4.1: 40 of 779,816 alleles (0.0051%); highest among the groups gnomAD compares: African/African-American, 0.057%; no homozygotes.

Submission:

PreventionGenetics, part of Exact Sciences
Classification: Likely benign for SYNE1-related condition. Last evaluated: 2019-03-20. Review status: no assertion criteria provided. Collection method: clinical testing. Allele origin: germline.
Comment: This variant is classified as likely benign based on ACMG/AMP sequence variant interpretation guidelines (Richards et al. 2015 PMID: 25741868, with internal and published modifications).